The following is an entry in ClinVar:

NM_002474.3(MYH11):c.2861A>T (p.Asp954Val)

Gene: MYH11 (myosin heavy chain 11; minus strand). Cytogenetic location: 16p13.11.
Variant type: single nucleotide variant.
Coding change: c.2861A>T on transcript NM_002474.3 (MANE Select); coding-DNA position 2861, A replaced by T.
Protein change: p.Asp954Val; replaces aspartic acid 954 with valine.
Molecular consequence: missense variant.
Genome position (GRCh38, 1-based): chr16:15,740,187, T>A on the plus strand (A>T on the coding strand, the complement: MYH11 is on the minus strand). VCF-style: chr16-15740187-T-A. GRCh37 (hg19) VCF-style: chr16-15834044-T-A.
Other names: c.2882A>T, p.Asp961Val (NM_001040113.2, NM_001040114.2); c.2861A>T, p.Asp954Val (NM_022844.3); c.2861A>T (NM_002474.2); short protein forms D954V, D961V.
Identifiers: ClinVar variation 1412854 (VCV001412854.9), dbSNP rs758880935, ClinGen allele CA7922149.

ClinVar aggregate classification (germline): Uncertain significance. Review status: criteria provided, multiple submitters, no conflicts (2 of 4 stars). 5 submissions from 5 submitters: Uncertain significance (5). Last evaluated 2026-07-01.

Conditions:
Aortic aneurysm, familial thoracic 4 (AAT4). Also called: AORTIC ANEURYSM/AORTIC DISSECTION AND PATENT DUCTUS ARTERIOSUS. Identifiers: MedGen C1851504, MONDO:0007568, OMIM 132900.
Familial thoracic aortic aneurysm and aortic dissection (TAAD). Also called: Thoracic aortic aneurysms and dissections. Identifiers: Orphanet 91387, MedGen C4707243, MONDO:0019625.

Allele frequency attached by ClinVar (database versions not stated): TOPMed 0.00001; gnomAD exomes below 0.00001 and 0.00002; ExAC 0.00001; gnomAD 0.00001.
gnomAD v4.1: 9 of 1,614,066 alleles (0.00056%); highest among the groups gnomAD compares: Middle Eastern, 0.049%; no homozygotes.

Submissions (5):

Ambry Genetics
Classification: Uncertain significance for Familial thoracic aortic aneurysm and aortic dissection. Last evaluated: 2026-07-01. Review status: criteria provided, single submitter. Criteria: Ambry Variant Classification Scheme 2023. Collection method: clinical testing. Allele origin: germline.
Comment: The p.D954V variant (also known as c.2861A>T), located in coding exon 22 of the MYH11 gene, results from an A to T substitution at nucleotide position 2861. The aspartic acid at codon 954 is replaced by valine, an amino acid with highly dissimilar properties. This amino acid position is conserved. In addition, the in silico prediction for this alteration is inconclusive. Based on the available evidence, the clinical significance of this variant remains unclear.

Color Diagnostics, LLC DBA Color Health
Classification: Uncertain significance for Familial thoracic aortic aneurysm and aortic dissection. Last evaluated: 2025-09-11. Review status: criteria provided, single submitter. Criteria: ACMG Guidelines, 2015. Collection method: clinical testing. Allele origin: germline.
Comment: This missense variant replaces aspartic acid with valine at codon 961 of the MYH11 protein. Computational prediction is inconclusive regarding the impact of this variant on protein structure and function. To our knowledge, functional studies have not been reported for this variant. This variant has not been reported in individuals affected with MYH11-related disorders in the literature. This variant has been identified in 4/251488 chromosomes in the general population by the Genome Aggregation Database (gnomAD). The available evidence is insufficient to determine the role of this variant in disease conclusively. Therefore, this variant is classified as a Variant of Uncertain Significance.

All of Us Research Program, National Institutes of Health
Classification: Uncertain significance for Familial thoracic aortic aneurysm and aortic dissection. Last evaluated: 2023-05-16. Review status: criteria provided, single submitter. Criteria: ACMG Guidelines, 2015. Collection method: clinical testing. Allele origin: germline. Inheritance: Autosomal dominant inheritance. Observed: 1 variant allele, 1 heterozygote.
Comment: This missense variant replaces aspartic acid with valine at codon 961 of the MYH11 protein. Computational prediction is inconclusive regarding the impact of this variant on protein structure and function (internally defined REVEL score threshold 0.5 < inconclusive < 0.7, PMID: 27666373). To our knowledge, functional studies have not been reported for this variant. This variant has not been reported in individuals affected with MYH11-related disorders in the literature. This variant has been identified in 4/251488 chromosomes in the general population by the Genome Aggregation Database (gnomAD). The available evidence is insufficient to determine the role of this variant in disease conclusively. Therefore, this variant is classified as a Variant of Uncertain Significance.

This study involves interpretation of variants in research participants for the purpose of population health screening. Participant phenotype was not available at the time of variant classification. Additional details can be found in publication PMID: 35346344, PMCID: PMC8962531

GeneDx
Classification: Uncertain significance. Last evaluated: 2022-08-29. Review status: criteria provided, single submitter. Criteria: GeneDx Variant Classification Process June 2021. Collection method: clinical testing. Allele origin: germline. Affected: yes.
Comment: Has not been previously published as pathogenic or benign to our knowledge; Not observed at significant frequency in large population cohorts (gnomAD); In silico analysis supports that this missense variant has a deleterious effect on protein structure/function

Labcorp Genetics (formerly Invitae), Labcorp
Classification: Uncertain significance for Aortic aneurysm, familial thoracic 4. Last evaluated: 2021-08-31. Review status: criteria provided, single submitter. Criteria: Invitae Variant Classification Sherloc (09022015). Collection method: clinical testing. Allele origin: germline.
Comment: This sequence change replaces aspartic acid with valine at codon 961 of the MYH11 protein (p.Asp961Val). The aspartic acid residue is highly conserved and there is a large physicochemical difference between aspartic acid and valine. This variant is present in population databases (rs758880935, ExAC 0.001%). This variant has not been reported in the literature in individuals affected with MYH11-related conditions. Algorithms developed to predict the effect of missense changes on protein structure and function (SIFT, PolyPhen-2, Align-GVGD) all suggest that this variant is likely to be tolerated. Algorithms developed to predict the effect of sequence changes on RNA splicing suggest that this variant may create or strengthen a splice site. In summary, the available evidence is currently insufficient to determine the role of this variant in disease. Therefore, it has been classified as a Variant of Uncertain Significance.